The following is an entry in ClinVar:

NM_000051.4(ATM):c.3124C>G (p.Leu1042Val)

Gene: ATM (ATM serine/threonine kinase; plus strand). Cytogenetic location: 11q22.3.
Variant type: single nucleotide variant.
Coding change: c.3124C>G on transcript NM_000051.4 (MANE Select); coding-DNA position 3124, C replaced by G.
Protein change: p.Leu1042Val; replaces leucine 1042 with valine.
Molecular consequence: missense variant.
Genome position (GRCh38, 1-based): chr11:108,272,578, C>G. VCF-style: chr11-108272578-C-G. GRCh37 (hg19) VCF-style: chr11-108143305-C-G.
Other names: c.3124C>G, p.Leu1042Val (NM_001351834.2); c.3124C>G (NM_000051.3); short protein forms L1042V.
Identifiers: ClinVar variation 1436846 (VCV001436846.7), dbSNP rs1177614796, ClinGen allele CA382515236.

ClinVar aggregate classification (germline): Uncertain significance. Review status: criteria provided, multiple submitters, no conflicts (2 of 4 stars). 2 submissions from 2 submitters: Uncertain significance (2). Last evaluated 2024-05-01.

Conditions:
Hereditary cancer-predisposing syndrome. Also called: Neoplastic Syndromes, Hereditary; Hereditary Cancer Syndrome; Tumor predisposition; Hereditary neoplastic syndrome. Identifiers: Orphanet 140162, MedGen C0027672, MeSH D009386, MONDO:0015356.
Ataxia-telangiectasia syndrome (AT). Also called: ATAXIA-TELANGIECTASIA, FRESNO VARIANT; ATAXIA-TELANGIECTASIA, COMPLEMENTATION GROUP A; Ataxia-telangiectasia, complementation group D; AT, COMPLEMENTATION GROUP C; Ataxia telangiectasia (A-T); LOUIS-BAR SYNDROME. Identifiers: Orphanet 100, MedGen C0004135, MONDO:0008840, OMIM 208900.

Submissions (2):

Ambry Genetics
Classification: Uncertain significance for Hereditary cancer-predisposing syndrome. Last evaluated: 2024-05-01. Review status: criteria provided, single submitter. Criteria: Ambry Variant Classification Scheme 2023. Collection method: clinical testing. Allele origin: germline.
Comment: The p.L1042V variant (also known as c.3124C>G), located in coding exon 20 of the ATM gene, results from a C to G substitution at nucleotide position 3124. The leucine at codon 1042 is replaced by valine, an amino acid with highly similar properties. This amino acid position is conserved. In addition, the in silico prediction for this alteration is inconclusive. Based on the available evidence, the clinical significance of this variant remains unclear.

Labcorp Genetics (formerly Invitae), Labcorp
Classification: Uncertain significance for Ataxia-telangiectasia syndrome. Last evaluated: 2023-12-18. Review status: criteria provided, single submitter. Criteria: Invitae Variant Classification Sherloc (09022015). Collection method: clinical testing. Allele origin: germline.
Comment: This sequence change replaces leucine, which is neutral and non-polar, with valine, which is neutral and non-polar, at codon 1042 of the ATM protein (p.Leu1042Val). This variant is not present in population databases (gnomAD no frequency). This variant has not been reported in the literature in individuals affected with ATM-related conditions. ClinVar contains an entry for this variant (Variation ID: 1436846). An algorithm developed to predict the effect of missense changes on protein structure and function (PolyPhen-2) suggests that this variant is likely to be tolerated. In summary, the available evidence is currently insufficient to determine the role of this variant in disease. Therefore, it has been classified as a Variant of Uncertain Significance.